The following is an entry in ClinVar:

ClinVar aggregate classification (germline): Benign/Likely benign. Review status: criteria provided, multiple submitters, no conflicts (2 of 4 stars). 3 submissions from 2 submitters: Benign (1); Likely benign (2). Last evaluated 2024-06-20.

Conditions:
Diffuse nonepidermolytic palmoplantar keratoderma (NEPPK). Also called: Nonepidermolytic palmoplantar hyperkeratosis; Nonepidermolytic palmoplantar keratoderma. Identifiers: Orphanet 530838, MedGen C1833030, MONDO:0010962, OMIM 600962, HP:0007404.
Epidermolytic ichthyosis. Also called: Congenital bullous ichthyosiform erythroderma; Bullous ichthyosiform erythroderma; Epidermolytic Hyperkeratosis; KRT10-Related Epidermolytic Hyperkeratosis. Identifiers: Orphanet 312, MedGen C0079153, MONDO:0007239, HP:0007475.

Allele frequency attached by ClinVar (database versions not stated): gnomAD 0.00002 and 0.00003; gnomAD exomes 0.00004 and 0.00012; TOPMed 0.00006; ExAC 0.00008; ESP Exome Variant Server 0.00008; 1000 Genomes Project 0.00020; 1000 Genomes Project 30x 0.00031.
gnomAD v4.1: 59 of 1,614,190 alleles (0.0037%); highest among the groups gnomAD compares: Admixed American, 0.047%; no homozygotes.

Submissions (3):

Labcorp Genetics (formerly Invitae), Labcorp
Classification: Likely benign. Last evaluated: 2024-06-20. Review status: criteria provided, single submitter. Criteria: Invitae Variant Classification Sherloc (09022015). Collection method: clinical testing. Allele origin: germline.

Illumina Laboratory Services, Illumina
Classification: Benign for Epidermolytic hyperkeratosis 1. Last evaluated: 2018-01-13. Review status: criteria provided, single submitter. Criteria: ICSL Variant Classification Criteria 13 December 2019. Collection method: clinical testing. Allele origin: germline.
Comment: This variant was observed in the ICSL laboratory as part of a predisposition screen in an ostensibly healthy population. It had not been previously curated by ICSL or reported in the Human Gene Mutation Database (HGMD: prior to June 1st, 2018), and was therefore a candidate for classification through an automated scoring system. Utilizing variant allele frequency, disease prevalence and penetrance estimates, and inheritance mode, an automated score was calculated to assess if this variant is too frequent to cause the disease. Based on the score and internal cut-off values, a variant classified as benign is not then subjected to further curation. The score for this variant resulted in a classification of benign for this disease.

Illumina Laboratory Services, Illumina
Classification: Likely benign for Diffuse nonepidermolytic palmoplantar keratoderma. Last evaluated: 2018-01-13. Review status: criteria provided, single submitter. Criteria: ICSL Variant Classification Criteria 13 December 2019. Collection method: clinical testing. Allele origin: germline.
Comment: This variant was observed in the ICSL laboratory as part of a predisposition screen in an ostensibly healthy population. It had not been previously curated by ICSL or reported in the Human Gene Mutation Database (HGMD: prior to June 1st, 2018), and was therefore a candidate for classification through an automated scoring system. Utilizing variant allele frequency, disease prevalence and penetrance estimates, and inheritance mode, an automated score was calculated to assess if this variant is too frequent to cause the disease. Based on the score and internal cut-off values, a variant classified as likely benign is not then subjected to further curation. The score for this variant resulted in a classification of likely benign for this disease.

NM_006121.4(KRT1):c.1107C>T (p.Ala369=)

Gene: KRT1 (keratin 1; minus strand). Cytogenetic location: 12q13.13.
Variant type: single nucleotide variant.
Coding change: c.1107C>T on transcript NM_006121.4 (MANE Select); coding-DNA position 1107, C replaced by T.
Protein change: p.Ala369=; no amino-acid change (alanine 369 retained).
Molecular consequence: synonymous variant.
Genome position (GRCh38, 1-based): chr12:52,677,337, G>A on the plus strand (C>T on the coding strand, the complement: KRT1 is on the minus strand). VCF-style: chr12-52677337-G-A. GRCh37 (hg19) VCF-style: chr12-53071121-G-A.
Identifiers: ClinVar variation 309644 (VCV000309644.12), dbSNP rs183980482, ClinGen allele CA6586265.